The following is an entry in ClinVar:

NM_006269.2(RP1):c.4603C>G (p.Pro1535Ala)

Gene: RP1 (RP1 axonemal microtubule associated; plus strand). Cytogenetic location: 8q12.1.
Variant type: single nucleotide variant.
Coding change: c.4603C>G on transcript NM_006269.2 (MANE Select); coding-DNA position 4603, C replaced by G.
Protein change: p.Pro1535Ala; replaces proline 1535 with alanine.
Molecular consequence: missense variant. On other transcripts: intron variant (1).
Genome position (GRCh38, 1-based): chr8:54,628,485, C>G. VCF-style: chr8-54628485-C-G. GRCh37 (hg19) VCF-style: chr8-55541045-C-G.
Other names: c.787+6197C>G (NM_001375654.1); c.4603C>G (NM_006269.1); short protein forms P1535A.
Identifiers: ClinVar variation 1052751 (VCV001052751.9), dbSNP rs773844065, ClinGen allele CA4751911.
Genomic context (GRCh38, chr8:54,628,485, plus strand): 5'-ATGGAAGAAAAAAGAATGAACGGTATAATTTATGAAATAATCAGTAAGAGGCTGGCAACA[C>G]CACCATCTTTAGATTTTTGCTATGATTCTAAGCAAAATAGTGAAAAGGAGACCAATGAAG-3'
Protein context (NP_006260.1, residues 1525-1545): YEIISKRLAT[Pro1535Ala]PSLDFCYDSK

ClinVar aggregate classification (germline): Uncertain significance. Review status: criteria provided, multiple submitters, no conflicts (2 of 4 stars). 3 submissions from 3 submitters: Uncertain significance (3). Last evaluated 2025-02-28.

Conditions:
RP1-related disorder. Also called: RP1-related condition.

Allele frequency attached by ClinVar (database versions not stated): ExAC 0.00001; gnomAD 0.00003; gnomAD exomes 0.00003 and 0.00014; TOPMed 0.00003.
gnomAD v4.1: 207 of 1,613,452 alleles (0.013%); highest among the groups gnomAD compares: Non-Finnish European, 0.017%; no homozygotes.

Submissions (3):

PreventionGenetics, part of Exact Sciences
Classification: Uncertain significance for RP1-related condition. Last evaluated: 2025-02-28. Review status: criteria provided, single submitter. Criteria: ACMG Guidelines, 2015. Collection method: clinical testing. Allele origin: germline.
Comment: The RP1 c.4603C>G variant is predicted to result in the amino acid substitution p.Pro1535Ala. This variant has been reported in an individual with Stargardt disease who had ABCA4-variants that were considered causative for the individual's phenotype (Shah et al. 2024. PubMed ID:39384610). This variant is reported in 0.0062% of alleles in individuals of European (Non-Finnish) descent in gnomAD. At this time, the clinical significance of this variant is uncertain due to the absence of conclusive functional and genetic evidence.

Labcorp Genetics (formerly Invitae), Labcorp
Classification: Uncertain significance. Last evaluated: 2023-07-10. Review status: criteria provided, single submitter. Criteria: Invitae Variant Classification Sherloc (09022015). Collection method: clinical testing. Allele origin: germline.
Comment: This sequence change replaces proline, which is neutral and non-polar, with alanine, which is neutral and non-polar, at codon 1535 of the RP1 protein (p.Pro1535Ala). This variant is present in population databases (rs773844065, gnomAD 0.006%). This variant has not been reported in the literature in individuals affected with RP1-related conditions. ClinVar contains an entry for this variant (Variation ID: 1052751). An algorithm developed to predict the effect of missense changes on protein structure and function (PolyPhen-2) suggests that this variant is likely to be disruptive. In summary, the available evidence is currently insufficient to determine the role of this variant in disease. Therefore, it has been classified as a Variant of Uncertain Significance.

Blueprint Genetics
Classification: Uncertain significance. Last evaluated: 2021-02-19. Review status: criteria provided, single submitter. Criteria: ACMG Guidelines, 2015. Collection method: clinical testing. Allele origin: germline.